The following is an entry in ClinVar:

NM_002078.5(GOLGA4):c.3766C>T (p.Arg1256Cys)

Gene: GOLGA4 (golgin A4; plus strand). Cytogenetic location: 3p22.2.
Variant type: single nucleotide variant.
Coding change: c.3766C>T on transcript NM_002078.5 (MANE Select); coding-DNA position 3766, C replaced by T.
Protein change: p.Arg1256Cys; replaces arginine 1256 with cysteine.
Molecular consequence: missense variant.
Genome position (GRCh38, 1-based): chr3:37,325,652, C>T. VCF-style: chr3-37325652-C-T. GRCh37 (hg19) VCF-style: chr3-37367143-C-T.
Other names: c.3832C>T, p.Arg1278Cys (NM_001172713.3, NM_001410721.2, NM_001429191.1); c.3883C>T, p.Arg1295Cys (NM_001429190.1); c.3718C>T, p.Arg1240Cys (NM_001429193.1); c.3784C>T, p.Arg1262Cys (NM_001429196.1, NM_001429198.1); c.3766C>T, p.Arg1256Cys (NM_001429201.1); c.3727C>T, p.Arg1243Cys (NM_001429202.1); short protein forms R1256C, R1278C, R1240C, R1243C, R1262C, R1295C.
Identifiers: ClinVar variation 3046712 (VCV003046712.2), dbSNP rs752958030, ClinGen allele CA2309494.

ClinVar aggregate classification (germline): Likely benign (0 of 4 stars; one submission).

Conditions:
GOLGA4-related disorder. Also called: GOLGA4-related condition.

Allele frequency attached by ClinVar (database versions not stated): gnomAD 0.00007; TOPMed 0.00018; ExAC 0.00036.
gnomAD v4.1: 171 of 1,613,804 alleles (0.011%); highest among the groups gnomAD compares: Admixed American, 0.2%; no homozygotes.

Submission:

PreventionGenetics, part of Exact Sciences
Classification: Likely benign for GOLGA4-related condition. Last evaluated: 2022-12-29. Review status: no assertion criteria provided. Collection method: clinical testing. Allele origin: germline.
Comment: This variant is classified as likely benign based on ACMG/AMP sequence variant interpretation guidelines (Richards et al. 2015 PMID: 25741868, with internal and published modifications).